The following is an entry in ClinVar:

NM_018100.4(EFHC1):c.139A>G (p.Ile47Val)

Gene: EFHC1 (EF-hand domain containing 1; plus strand). Cytogenetic location: 6p12.2.
Variant type: single nucleotide variant.
Coding change: c.139A>G on transcript NM_018100.4 (MANE Select); coding-DNA position 139, A replaced by G.
Protein change: p.Ile47Val; replaces isoleucine 47 with valine.
Molecular consequence: missense variant. On other transcripts: non-coding transcript variant (1).
Genome position (GRCh38, 1-based): chr6:52,424,021, A>G. VCF-style: chr6-52424021-A-G. GRCh37 (hg19) VCF-style: chr6-52288819-A-G.
Other names: c.82A>G, p.Ile28Val (NM_001172420.2); short protein forms I28V, I47V.
Identifiers: ClinVar variation 928565 (VCV000928565.1), dbSNP rs1764249771, ClinGen allele CA364456509.

ClinVar aggregate classification (germline): Uncertain significance (1 of 4 stars; one submission).

Allele frequency attached by ClinVar (database versions not stated): gnomAD 0.00001.
gnomAD v4.1: 1 of 1,614,002 alleles (0.000062%); highest among the groups gnomAD compares: Admixed American, 0.0017%; no homozygotes.

Submission:

Women's Health and Genetics/Laboratory Corporation of America, LabCorp
Classification: Uncertain significance. Last evaluated: 2019-08-07. Review status: criteria provided, single submitter. Criteria: LabCorp Variant Classification Summary - May 2015. Collection method: clinical testing. Allele origin: germline.
Comment: Variant summary: EFHC1 c.139A>G (p.Ile47Val) results in a conservative amino acid change in the encoded protein sequence. Four of five in-silico tools predict a benign effect of the variant on protein function. The variant was absent in 251458 control chromosomes. The available data on variant occurrences in the general population are insufficient to allow any conclusion about variant significance. To our knowledge, no occurrence of c.139A>G in individuals affected with Juvenile myoclonic epilepsy and no experimental evidence demonstrating its impact on protein function have been reported. No clinical diagnostic laboratories have submitted clinical-significance assessments for this variant to ClinVar after 2014. Based on the evidence outlined above, the variant was classified as uncertain significance.